The following is an entry in ClinVar:

ClinVar aggregate classification (germline): Uncertain significance (1 of 4 stars; one submission).

Conditions:
Immunodeficiency 35 (IMD35). Also called: HIES WITH ATYPICAL MYCOBACTERIOSIS, AUTOSOMAL RECESSIVE; HYPER-IgE SYNDROME WITH ATYPICAL MYCOBACTERIOSIS, AUTOSOMAL RECESSIVE; Susceptibility to infection due to TYK2 deficiency; TYK2 DEFICIENCY. Identifiers: Orphanet 331226, MedGen C1969086, MONDO:0012682, OMIM 611521.

Submission:

Labcorp Genetics (formerly Invitae), Labcorp
Classification: Uncertain significance for Immunodeficiency 35. Last evaluated: 2021-07-18. Review status: criteria provided, single submitter. Criteria: Invitae Variant Classification Sherloc (09022015). Collection method: clinical testing. Allele origin: germline.
Comment: This sequence change replaces aspartic acid with tyrosine at codon 96 of the TYK2 protein (p.Asp96Tyr). The aspartic acid residue is highly conserved and there is a large physicochemical difference between aspartic acid and tyrosine. In summary, the available evidence is currently insufficient to determine the role of this variant in disease. Therefore, it has been classified as a Variant of Uncertain Significance. Algorithms developed to predict the effect of missense changes on protein structure and function are either unavailable or do not agree on the potential impact of this missense change (SIFT: "Not Available"; PolyPhen-2: "Possibly Damaging"; Align-GVGD: "Not Available"). This variant has not been reported in the literature in individuals affected with TYK2-related conditions. This variant is not present in population databases (ExAC no frequency).

NM_003331.5(TYK2):c.286G>T (p.Asp96Tyr)

Gene: TYK2 (tyrosine kinase 2; minus strand). Cytogenetic location: 19p13.2.
Variant type: single nucleotide variant.
Coding change: c.286G>T on transcript NM_003331.5 (MANE Select); coding-DNA position 286, G replaced by T.
Protein change: p.Asp96Tyr; replaces aspartic acid 96 with tyrosine.
Molecular consequence: missense variant.
Genome position (GRCh38, 1-based): chr19:10,368,326, C>A on the plus strand (G>T on the coding strand, the complement: TYK2 is on the minus strand). VCF-style: chr19-10368326-C-A. GRCh37 (hg19) VCF-style: chr19-10479002-C-A.
Other names: c.286G>T, p.Asp96Tyr (NM_001385197.1, NM_001385198.1, NM_001385199.1 and 8 more transcripts); short protein forms D96Y.
Identifiers: ClinVar variation 1476319 (VCV001476319.8), dbSNP rs2145275479, ClinGen allele CA404020013.